The following is an entry in ClinVar:

NM_006846.4(SPINK5):c.899A>G (p.Tyr300Cys)

Gene: SPINK5 (serine peptidase inhibitor Kazal type 5; plus strand). Cytogenetic location: 5q32.
Variant type: single nucleotide variant.
Coding change: c.899A>G on transcript NM_006846.4 (MANE Select); coding-DNA position 899, A replaced by G.
Protein change: p.Tyr300Cys; replaces tyrosine 300 with cysteine.
Molecular consequence: missense variant.
Genome position (GRCh38, 1-based): chr5:148,097,883, A>G. VCF-style: chr5-148097883-A-G. GRCh37 (hg19) VCF-style: chr5-147477446-A-G.
Other names: c.899A>G, p.Tyr300Cys (NM_001127698.2, NM_001127699.2); short protein forms Y300C.
Identifiers: ClinVar variation 1325523 (VCV001325523.3), dbSNP rs2113105257, ClinGen allele CA361635047.
Genomic context (GRCh38, chr5:148,097,883, plus strand): 5'-AGAAAACAGAACTATATCTCAACTTTTTCTTATTCATTATTCAGAAACTCTGCAGTCAAT[A>G]TCAAAATCAGGCAAAGAATGGAATACTTTTCTGTACCAGAGAAAATGACCCTATTCGTGG-3'
Protein context (NP_006837.2, residues 290-310): KREIVKLCSQ[Tyr300Cys]QNQAKNGILF

ClinVar aggregate classification (germline): Uncertain significance. Review status: criteria provided, multiple submitters, no conflicts (2 of 4 stars). 2 submissions from 2 submitters: Uncertain significance (2). Last evaluated 2026-01-05.

Conditions:
Ichthyosis linearis circumflexa. Identifiers: MedGen C0265962, MONDO:0043106, HP:0025810.
Netherton syndrome (NETH). Also called: NETHERTON DISEASE; ERYTHRODERMA, ICHTHYOSIFORM, WITH HYPOTRICHOSIS AND HYPER-IgE; COMEL-NETHERTON SYNDROME. Identifiers: Orphanet 634, MedGen C5574950, MONDO:0009735, OMIM 256500.

Allele frequency attached by ClinVar (database versions not stated): gnomAD exomes below 0.00001.
gnomAD v4.1: 1 of 1,610,810 alleles (0.000062%); highest among the groups gnomAD compares: Non-Finnish European, 0.000085%; no homozygotes.

Submissions (2):

Labcorp Genetics (formerly Invitae), Labcorp
Classification: Uncertain significance for Ichthyosis linearis circumflexa. Last evaluated: 2026-01-05. Review status: criteria provided, single submitter. Criteria: Invitae Variant Classification Sherloc (09022015). Collection method: clinical testing. Allele origin: germline.
Comment: This sequence change replaces tyrosine, which is neutral and polar, with cysteine, which is neutral and slightly polar, at codon 300 of the SPINK5 protein (p.Tyr300Cys). This variant is not present in population databases (gnomAD no frequency). This variant has not been reported in the literature in individuals affected with SPINK5-related conditions. ClinVar contains an entry for this variant (Variation ID: 1325523). Invitae Evidence Modeling of protein sequence and biophysical properties (such as structural, functional, and spatial information, amino acid conservation, physicochemical variation, residue mobility, and thermodynamic stability) indicates that this missense variant is not expected to disrupt SPINK5 protein function with a negative predictive value of 80%. In summary, the available evidence is currently insufficient to determine the role of this variant in disease. Therefore, it has been classified as a Variant of Uncertain Significance.

New York Genome Center
Classification: Uncertain significance for Netherton syndrome. Last evaluated: 2020-04-26. Review status: criteria provided, single submitter. Criteria: NYGC Assertion Criteria 2020. Collection method: clinical testing. Allele origin: germline. Observed: 1 heterozygote. Study: CSER-NYCKidSeq.